The following is an entry in ClinVar:

ClinVar aggregate classification (germline): Uncertain significance. Review status: criteria provided, multiple submitters, no conflicts (2 of 4 stars). 2 submissions from 2 submitters: Uncertain significance (2). Last evaluated 2026-03-30.

Conditions:
Inborn genetic diseases. Identifiers: MedGen C0950123, MeSH D030342.
Thrombocytopenia 5 (THC5). Also called: THROMBOCYTOPENIA 5 WITH INCREASED SUSCEPTIBILITY TO MALIGNANCY; THROMBOCYTOPENIA, AUTOSOMAL DOMINANT, 5. Identifiers: MedGen C4015537, MONDO:0014536, OMIM 616216.

Submissions (2):

Ambry Genetics
Classification: Uncertain significance for Inborn genetic diseases. Last evaluated: 2026-03-30. Review status: criteria provided, single submitter. Criteria: Ambry Variant Classification Scheme 2023. Collection method: clinical testing. Allele origin: germline.
Comment: The p.H149R variant (also known as c.446A>G), located in coding exon 4 of the ETV6 gene, results from an A to G substitution at nucleotide position 446. The histidine at codon 149 is replaced by arginine, an amino acid with highly similar properties. This amino acid position is conserved. In addition, this alteration is predicted to be tolerated by in silico analysis. Based on the available evidence, the clinical significance of this variant remains unclear.

Neuberg Centre For Genomic Medicine, NCGM
Classification: Uncertain significance for Thrombocytopenia 5. Last evaluated: 2023-06-22. Review status: criteria provided, single submitter. Criteria: ACMG Guidelines, 2015. Collection method: clinical testing. Allele origin: germline. Inheritance: Autosomal dominant inheritance. Affected: yes.
Comment: The observed missense c.446A>G(p.His149Arg) variant in ETV6 gene has not been reported previously as a pathogenic variant nor as a benign variant, to our knowledge. The p.His149Arg variant is absent in gnomAD Exomes database. This variant has not been submitted to the ClinVar database. Computational evidence (Polyphen - Benign, SIFT - Tolerated and MutationTaster -Disease causing) predicts conflicting evidence on protein structure and function for this variant. The reference amino acid in ETV6 is predicted as conserved by GERP++ and PhyloP across 100 vertebrates. The amino acid His at position 149 is changed to a Arg changing protein sequence and it might alter its composition and physico-chemical properties. For these reasons, this variant has been classified as Uncertain Significance (VUS).

NM_001987.5(ETV6):c.446A>G (p.His149Arg)

Gene: ETV6 (ETS variant transcription factor 6; plus strand). Cytogenetic location: 12p13.2.
Variant type: single nucleotide variant.
Coding change: c.446A>G on transcript NM_001987.5 (MANE Select); coding-DNA position 446, A replaced by G.
Protein change: p.His149Arg; replaces histidine 149 with arginine.
Molecular consequence: missense variant.
Genome position (GRCh38, 1-based): chr12:11,853,544, A>G. VCF-style: chr12-11853544-A-G. GRCh37 (hg19) VCF-style: chr12-12006478-A-G.
Other names: c.443A>G, p.His148Arg (NM_001413913.1); c.419A>G, p.His140Arg (NM_001413914.1); c.182A>G, p.His61Arg (NM_001413915.1); c.446A>G, p.His149Arg (NM_001413916.1, NM_001413917.1); short protein forms H140R, H148R, H149R, H61R.
Identifiers: ClinVar variation 3377630 (VCV003377630.2).